The following is an entry in ClinVar:

ClinVar aggregate classification (germline): Uncertain significance (1 of 4 stars; one submission).

Conditions:
Mendelian susceptibility to mycobacterial diseases due to complete IL12RB1 deficiency. Also called: IL12RB1 DEFICIENCY; Immunodeficiency 30. Identifiers: Orphanet 319552, MedGen C4013949, MONDO:0013955, OMIM 614891.

Allele frequency attached by ClinVar (database versions not stated): gnomAD exomes 0.00001 and 0.00003; ExAC 0.00003; TOPMed 0.00007; gnomAD 0.00011; 1000 Genomes Project 30x 0.00016; 1000 Genomes Project 0.00020.
gnomAD v4.1: 25 of 1,612,290 alleles (0.0016%); highest among the groups gnomAD compares: African/African-American, 0.028%; no homozygotes.

Submission:

Labcorp Genetics (formerly Invitae), Labcorp
Classification: Uncertain significance for Mendelian susceptibility to mycobacterial diseases due to complete IL12RB1 deficiency. Last evaluated: 2021-08-21. Review status: criteria provided, single submitter. Criteria: Invitae Variant Classification Sherloc (09022015). Collection method: clinical testing. Allele origin: germline.
Comment: In summary, the available evidence is currently insufficient to determine the role of this variant in disease. Therefore, it has been classified as a Variant of Uncertain Significance. Algorithms developed to predict the effect of missense changes on protein structure and function output the following: SIFT: "Tolerated"; PolyPhen-2: "Benign"; Align-GVGD: "Class C0". The aspartic acid amino acid residue is found in multiple mammalian species, which suggests that this missense change does not adversely affect protein function. This variant has not been reported in the literature in individuals affected with IL12RB1-related conditions. This variant is present in population databases (rs573390658, ExAC 0.02%). This sequence change replaces glycine with aspartic acid at codon 167 of the IL12RB1 protein (p.Gly167Asp). The glycine residue is moderately conserved and there is a moderate physicochemical difference between glycine and aspartic acid.

NM_005535.3(IL12RB1):c.500G>A (p.Gly167Asp)

Gene: IL12RB1 (interleukin 12 receptor subunit beta 1; minus strand). Cytogenetic location: 19p13.11.
Variant type: single nucleotide variant.
Coding change: c.500G>A on transcript NM_005535.3 (MANE Select); coding-DNA position 500, G replaced by A.
Protein change: p.Gly167Asp; replaces glycine 167 with aspartic acid.
Molecular consequence: missense variant.
Genome position (GRCh38, 1-based): chr19:18,077,565, C>T on the plus strand (G>A on the coding strand, the complement: IL12RB1 is on the minus strand). VCF-style: chr19-18077565-C-T. GRCh37 (hg19) VCF-style: chr19-18188375-C-T.
Other names: c.500G>A, p.Gly167Asp (NM_001290023.2, NM_153701.3); c.620G>A, p.Gly207Asp (NM_001290024.2); short protein forms G207D, G167D.
Identifiers: ClinVar variation 1422595 (VCV001422595.5), dbSNP rs573390658, ClinGen allele CA9305197.
Genomic context (GRCh38, chr19:18,077,565, plus strand): 5'-AACAAACTCACCAACTTCCATGGGCTGCTGGGTGTCCGGTGCCGGAACTGCACCTCAGCA[C>T]CAACCTGGTTATCCGGGGTCTCCCACTCCATACGCAGCTGCCCGGCCAACTTGGACACCT-3'
Protein context (NP_005526.1, residues 157-177): MEWETPDNQV[Gly167Asp]AEVQFRHRTP